The following is an entry in ClinVar:

Conditions:
Long QT syndrome 5 (LQT5). Identifiers: Orphanet 101016, Orphanet 768, MedGen C1867904, MONDO:0013372, OMIM 613695.

Submission:

Roden Lab, Vanderbilt University Medical Center
No classification provided (evidence only). Condition: Long QT syndrome 5. Review status: no classification provided. Collection method: in vitro. Allele origin: not applicable. Functional consequence: Effect on ion channel function.
ClinVar note: "not provided" was previously submitted as the classification for the variant. However, the classification appeared to be based only on an observation of functional data so it was converted to no classification on 2025-07-30.

NM_000219.6(KCNE1):c.231A>C (p.Pro77=)

Gene: KCNE1 (potassium voltage-gated channel subfamily E regulatory subunit 1; minus strand). Cytogenetic location: 21q22.12.
Variant type: single nucleotide variant.
Coding change: c.231A>C on transcript NM_000219.6 (MANE Select); coding-DNA position 231, A replaced by C.
Protein change: p.Pro77=; no amino-acid change (proline 77 retained).
Molecular consequence: synonymous variant.
Genome position (GRCh38, 1-based): chr21:34,449,404, T>G on the plus strand (A>C on the coding strand, the complement: KCNE1 is on the minus strand). VCF-style: chr21-34449404-T-G. GRCh37 (hg19) VCF-style: chr21-35821702-T-G.
Other names: c.231A>C, p.Pro77= (NM_001127668.4, NM_001127669.4, NM_001127670.4 and 4 more transcripts).
Identifiers: ClinVar variation 3374387 (VCV003374387.2).
Genomic context (GRCh38, chr21:34,449,404, plus strand): 5'-GGCCTGGACATAGGCCTTGTCCTTCTCTTGCCAGGCATCGGACTCGATGTAGACGTTGAA[T>G]GGGTCGTTCGAGTGCTCCAGCTTCTTGGAGCGGATGTAGCTCAGCATGATGCCCAGGGTG-3'
Protein context (NP_000210.2, residues 67-87): RSKKLEHSND[Pro77=]FNVYIESDAW